The following is an entry in ClinVar:

NM_005188.4(CBL):c.1063C>A (p.Pro355Thr)

Gene: CBL (Cbl proto-oncogene; plus strand). Cytogenetic location: 11q23.3.
Variant type: single nucleotide variant.
Coding change: c.1063C>A on transcript NM_005188.4 (MANE Select); coding-DNA position 1063, C replaced by A.
Protein change: p.Pro355Thr; replaces proline 355 with threonine.
Molecular consequence: missense variant.
Genome position (GRCh38, 1-based): chr11:119,277,812, C>A. VCF-style: chr11-119277812-C-A. GRCh37 (hg19) VCF-style: chr11-119148522-C-A.
Other names: short protein forms P355T.
Identifiers: ClinVar variation 4219865 (VCV004219865.1).
Genomic context (GRCh38, chr11:119,277,812, plus strand): 5'-TACAGCTATTTGTTTCCTGATGGACGAAATCAGAATCCTGATCTGACTGGCTTATGTGAA[C>A]CAACTCCCCAAGACCATATCAAAGTGACCCAGGTGAGTTTTGTTTCACATGATAACCATA-3'
Protein context (NP_005179.2, residues 345-365): QNPDLTGLCE[Pro355Thr]TPQDHIKVTQ

ClinVar aggregate classification (germline): Uncertain significance (1 of 4 stars; one submission).

Conditions:
Cardiovascular phenotype. Identifiers: MedGen CN230736.

gnomAD v4.1: 2 of 1,613,780 alleles (0.00012%); highest among the groups gnomAD compares: Non-Finnish European, 0.00017%; no homozygotes.

Submission:

Ambry Genetics
Classification: Uncertain significance for Cardiovascular phenotype. Last evaluated: 2025-07-14. Review status: criteria provided, single submitter. Criteria: Ambry Variant Classification Scheme 2023. Collection method: clinical testing. Allele origin: germline.
Comment: The p.P355T variant (also known as c.1063C>A), located in coding exon 7 of the CBL gene, results from a C to A substitution at nucleotide position 1063. The proline at codon 355 is replaced by threonine, an amino acid with highly similar properties. This amino acid position is conserved. In addition, the in silico prediction for this alteration is inconclusive. Based on the available evidence, the clinical significance of this variant remains unclear.